The following is an entry in ClinVar:

NM_003846.3(PEX11B):c.470T>C (p.Leu157Pro)

Gene: PEX11B (peroxisomal biogenesis factor 11 beta; minus strand). Cytogenetic location: 1q21.1.
Variant type: single nucleotide variant.
Coding change: c.470T>C on transcript NM_003846.3 (MANE Select); coding-DNA position 470, T replaced by C.
Protein change: p.Leu157Pro; replaces leucine 157 with proline.
Molecular consequence: missense variant. On other transcripts: non-coding transcript variant (3).
Genome position (GRCh38, 1-based): chr1:145,912,471, A>G on the plus strand (T>C on the coding strand, the complement: PEX11B is on the minus strand). VCF-style: chr1-145912471-A-G. GRCh37 (hg19) VCF-style: chr1-145522609-T-C.
Other names: c.428T>C, p.Leu143Pro (NM_001184795.1); short protein forms L157P, L143P.
Identifiers: ClinVar variation 970276 (VCV000970276.9), dbSNP rs781874939, ClinGen allele CA1055613.

ClinVar aggregate classification (germline): Uncertain significance (1 of 4 stars; one submission).

Allele frequency attached by ClinVar (database versions not stated): TOPMed below 0.00001; ExAC 0.00001; gnomAD 0.00001; gnomAD exomes 0.00001.

Submission:

Labcorp Genetics (formerly Invitae), Labcorp
Classification: Uncertain significance. Last evaluated: 2023-11-27. Review status: criteria provided, single submitter. Criteria: Invitae Variant Classification Sherloc (09022015). Collection method: clinical testing. Allele origin: germline.
Comment: This sequence change replaces leucine, which is neutral and non-polar, with proline, which is neutral and non-polar, at codon 157 of the PEX11B protein (p.Leu157Pro). The frequency data for this variant in the population databases is considered unreliable, as metrics indicate poor data quality at this position in the gnomAD database. This variant has not been reported in the literature in individuals affected with PEX11B-related conditions. ClinVar contains an entry for this variant (Variation ID: 970276). Algorithms developed to predict the effect of missense changes on protein structure and function output the following: SIFT: "Not Available"; PolyPhen-2: "Benign"; Align-GVGD: "Not Available". The proline amino acid residue is found in multiple mammalian species, which suggests that this missense change does not adversely affect protein function. In summary, the available evidence is currently insufficient to determine the role of this variant in disease. Therefore, it has been classified as a Variant of Uncertain Significance.